The following is an entry in ClinVar:

ClinVar aggregate classification (germline): Uncertain significance (0 of 4 stars; one submission).

Submission:

Genetic Services Laboratory, University of Chicago
Classification: Uncertain significance. Last evaluated: 2022-06-06. Review status: no assertion criteria provided. Collection method: clinical testing. Allele origin: germline. Affected: no.
Comment: DNA sequence analysis of the APOA1 gene demonstrated a sequence change, c.51G>C, in exon 3 that results in an amino acid change, p.Gln17His. This sequence change does not appear to have been previously described in individuals with APOA1-related disorders and has also not been described in population databases such as gnomAD. The p.Gln17His change affects a highly conserved amino acid residue. In-silico pathogenicity prediction tools (SIFT, PolyPhen2, Align GVGD, REVEL) provide contradictory results for the p.Gln17His substitution. Due to insufficient evidences and the lack of functional studies, the clinical significance of the p.Gln17His change remains unknown at this time.

NM_000039.3(APOA1):c.51G>C (p.Gln17His)

Genes: APOA1 (apolipoprotein A1; minus strand), APOA1-AS (APOA1 antisense RNA; plus strand). Cytogenetic location: 11q23.3.
Variant type: single nucleotide variant.
Coding change: c.51G>C on transcript NM_000039.3 (MANE Select); coding-DNA position 51, G replaced by C.
Protein change: p.Gln17His; replaces glutamine 17 with histidine.
Molecular consequence: missense variant. On other transcripts: intron variant (2), splice acceptor variant (1).
Genome position (GRCh38, 1-based): chr11:116,837,150, C>G on the plus strand (G>C on the coding strand, the complement: APOA1 is on the minus strand). VCF-style: chr11-116837150-C-G. GRCh37 (hg19) VCF-style: chr11-116707866-C-G.
Other names: c.51G>C, p.Gln17His (NM_001318017.2, NM_001318018.2, NM_001425090.1 and 1 more transcripts); c.-128+195G>C (NM_001425091.1); c.-240-37G>C (NM_001318021.2); c.-276-1G>C (NM_001425092.1); short protein forms Q17H.
Identifiers: ClinVar variation 2443193 (VCV002443193.2), dbSNP rs2540295476, ClinGen allele CA382721485.